The following is an entry in ClinVar:

ClinVar aggregate classification (germline): Uncertain significance (1 of 4 stars; one submission).

Conditions:
Congenital myasthenic syndrome 4A. Also called: CONGENITAL MYASTHENIC SYNDROME TYPE Ia1; Myasthenic syndrome, congenital, 4a, slow-channel; MYASTHENIC SYNDROME, CONGENITAL, 4A, SLOW-CHANNEL, AUTOSOMAL RECESSIVE. Identifiers: Orphanet 590, MedGen C4225413, MONDO:0011600, OMIM 605809.

Submission:

Labcorp Genetics (formerly Invitae), Labcorp
Classification: Uncertain significance for Congenital myasthenic syndrome 4A. Last evaluated: 2022-08-17. Review status: criteria provided, single submitter. Criteria: Invitae Variant Classification Sherloc (09022015). Collection method: clinical testing. Allele origin: germline.
Comment: In summary, the available evidence is currently insufficient to determine the role of this variant in disease. Therefore, it has been classified as a Variant of Uncertain Significance. Advanced modeling of protein sequence and biophysical properties (such as structural, functional, and spatial information, amino acid conservation, physicochemical variation, residue mobility, and thermodynamic stability) performed at Invitae indicates that this missense variant is expected to disrupt CHRNE protein function. This variant has not been reported in the literature in individuals affected with CHRNE-related conditions. This variant is not present in population databases (gnomAD no frequency). This sequence change replaces threonine, which is neutral and polar, with proline, which is neutral and non-polar, at codon 335 of the CHRNE protein (p.Thr335Pro).

NM_000080.4(CHRNE):c.1003A>C (p.Thr335Pro)

Gene: CHRNE (cholinergic receptor nicotinic epsilon subunit; minus strand). Cytogenetic location: 17p13.2.
Variant type: single nucleotide variant.
Coding change: c.1003A>C on transcript NM_000080.4 (MANE Select); coding-DNA position 1003, A replaced by C.
Protein change: p.Thr335Pro; replaces threonine 335 with proline.
Molecular consequence: missense variant.
Genome position (GRCh38, 1-based): chr17:4,899,497, T>G on the plus strand (A>C on the coding strand, the complement: CHRNE is on the minus strand). VCF-style: chr17-4899497-T-G. GRCh37 (hg19) VCF-style: chr17-4802792-T-G.
Other names: short protein forms T335P.
Identifiers: ClinVar variation 1716640 (VCV001716640.5), dbSNP rs1216965153, ClinGen allele CA397300858.